The following is an entry in ClinVar:

NM_002291.3(LAMB1):c.1069G>A (p.Val357Ile)

Gene: LAMB1 (laminin subunit beta 1; minus strand). Cytogenetic location: 7q31.1.
Variant type: single nucleotide variant.
Coding change: c.1069G>A on transcript NM_002291.3 (MANE Select); coding-DNA position 1069, G replaced by A.
Protein change: p.Val357Ile; replaces valine 357 with isoleucine.
Molecular consequence: missense variant.
Genome position (GRCh38, 1-based): chr7:107,975,809, C>T on the plus strand (G>A on the coding strand, the complement: LAMB1 is on the minus strand). VCF-style: chr7-107975809-C-T. GRCh37 (hg19) VCF-style: chr7-107616254-C-T.
Other names: short protein forms V357I.
Identifiers: ClinVar variation 1194246 (VCV001194246.8), dbSNP rs200303288, ClinGen allele CA4436115.

ClinVar aggregate classification (germline): Uncertain significance. Review status: criteria provided, multiple submitters, no conflicts (2 of 4 stars). 3 submissions from 3 submitters: Uncertain significance (3). Last evaluated 2021-09-02.

Conditions:
Inborn genetic diseases. Identifiers: MedGen C0950123, MeSH D030342.
Cobblestone lissencephaly without muscular or ocular involvement. Also called: LEUKOENCEPHALOPATHY WITH VARIABLE CORTICAL BRAIN MALFORMATIONS AND/OR HYDROCEPHALUS; Lissencephaly 5. Identifiers: Orphanet 352682, MedGen C3554657, MONDO:0014077, OMIM 615191.

Allele frequency attached by ClinVar (database versions not stated): gnomAD 0.00005 and 0.00004; gnomAD exomes 0.00008 and 0.00009; ESP Exome Variant Server 0.00008; TOPMed 0.00006; ExAC 0.00007.

Submissions (3):

Ambry Genetics
Classification: Uncertain significance for Inborn genetic diseases. Last evaluated: 2021-09-02. Review status: criteria provided, single submitter. Criteria: Ambry Variant Classification Scheme 2023. Collection method: clinical testing. Allele origin: germline.

Revvity Omics, Revvity
Classification: Uncertain significance for Cobblestone lissencephaly without muscular or ocular involvement. Last evaluated: 2020-12-18. Review status: criteria provided, single submitter. Criteria: ACMG Guidelines, 2015. Collection method: clinical testing. Allele origin: germline.

GeneDx
Classification: Uncertain significance. Last evaluated: 2020-12-01. Review status: criteria provided, single submitter. Criteria: GeneDx Variant Classification Process June 2021. Collection method: clinical testing. Allele origin: germline. Affected: yes.
Comment: Not observed at a significant frequency in large population cohorts (Lek et al., 2016); In silico analysis supports that this missense variant does not alter protein structure/function; Has not been previously published as pathogenic or benign to our knowledge